The following is an entry in ClinVar:

ClinVar aggregate classification (germline): Uncertain significance (1 of 4 stars; one submission).

gnomAD v4.1: 14 of 1,613,532 alleles (0.00087%); highest among the groups gnomAD compares: African/African-American, 0.011%; no homozygotes.

Submission:

Labcorp Genetics (formerly Invitae), Labcorp
Classification: Uncertain significance. Last evaluated: 2024-05-13. Review status: criteria provided, single submitter. Criteria: Invitae Variant Classification Sherloc (09022015). Collection method: clinical testing. Allele origin: germline.
Comment: This sequence change replaces methionine, which is neutral and non-polar, with valine, which is neutral and non-polar, at codon 781 of the SON protein (p.Met781Val). This variant is present in population databases (rs759650116, gnomAD 0.01%). This variant has not been reported in the literature in individuals affected with SON-related conditions. An algorithm developed to predict the effect of missense changes on protein structure and function (PolyPhen-2) suggests that this variant is likely to be disruptive. In summary, the available evidence is currently insufficient to determine the role of this variant in disease. Therefore, it has been classified as a Variant of Uncertain Significance.

NM_138927.4(SON):c.2341A>G (p.Met781Val)

Gene: SON (SON DNA and RNA binding protein; plus strand). Cytogenetic location: 21q22.11.
Variant type: single nucleotide variant.
Coding change: c.2341A>G on transcript NM_138927.4 (MANE Select); coding-DNA position 2341, A replaced by G.
Protein change: p.Met781Val; replaces methionine 781 with valine.
Molecular consequence: missense variant. On other transcripts: non-coding transcript variant (1), intron variant (1).
Genome position (GRCh38, 1-based): chr21:33,551,572, A>G. VCF-style: chr21-33551572-A-G. GRCh37 (hg19) VCF-style: chr21-34923878-A-G.
Other names: c.2341A>G, p.Met781Val (NM_001291411.2, NM_032195.3); c.244+5193A>G (NM_001291412.3); short protein forms M781V.
Identifiers: ClinVar variation 3615467 (VCV003615467.2).
Genomic context (GRCh38, chr21:33,551,572, plus strand): 5'-ATGGACTCCCAGATGTTAGCAACTAGCTCCATGGACTCCCAGATGTTAGCAACTAGCTCC[A>G]TGGACTCCCAGATGTTAGCAACTAGCACTATGGACTCCCAGATGTTAGCAACCAGTTCCA-3'
Protein context (NP_620305.3, residues 771-791): MDSQMLATSS[Met781Val]DSQMLATSTM